The following is an entry in ClinVar:

NM_000051.4(ATM):c.8833C>G (p.Leu2945Val)

Genes: ATM (ATM serine/threonine kinase; plus strand), C11orf65 (chromosome 11 open reading frame 65; minus strand). Cytogenetic location: 11q22.3.
Variant type: single nucleotide variant.
Coding change: c.8833C>G on transcript NM_000051.4 (MANE Select); coding-DNA position 8833, C replaced by G.
Protein change: p.Leu2945Val; replaces leucine 2945 with valine.
Molecular consequence: missense variant. On other transcripts: intron variant (2).
Genome position (GRCh38, 1-based): chr11:108,354,857, C>G. VCF-style: chr11-108354857-C-G. GRCh37 (hg19) VCF-style: chr11-108225584-C-G.
Other names: c.8833C>G, p.Leu2945Val (NM_001351834.2); c.640+31063G>C (NM_001330368.2); c.695-19565G>C (NM_001351110.2); short protein forms L2945V.
Identifiers: ClinVar variation 187144 (VCV000187144.13), dbSNP rs786203505, ClinGen allele CA196843.

ClinVar aggregate classification (germline): Uncertain significance. Review status: criteria provided, multiple submitters, no conflicts (2 of 4 stars). 4 submissions from 4 submitters: Uncertain significance (4). Last evaluated 2026-06-14.

Conditions:
ATM-related disorder. Also called: ATM-related disorders; ATM-related condition.
Hereditary cancer-predisposing syndrome. Also called: Hereditary Cancer Syndrome; Tumor predisposition; Neoplastic Syndromes, Hereditary; Hereditary neoplastic syndrome. Identifiers: Orphanet 140162, MedGen C0027672, MeSH D009386, MONDO:0015356.
Ataxia-telangiectasia syndrome (AT). Also called: ATAXIA-TELANGIECTASIA, COMPLEMENTATION GROUP A; ATAXIA-TELANGIECTASIA, FRESNO VARIANT; Ataxia-telangiectasia; Ataxia-telangiectasia, complementation group E; Cerebello-oculocutaneous telangiectasia; Immunodeficiency with ataxia telangiectasia. Identifiers: Orphanet 100, MedGen C0004135, MONDO:0008840, OMIM 208900.

Submissions (4):

PreventionGenetics, part of Exact Sciences
Classification: Uncertain significance for ATM-related condition. Last evaluated: 2026-06-14. Review status: criteria provided, single submitter. Criteria: ACMG Guidelines, 2015. Collection method: clinical testing. Allele origin: germline.
Comment: The ATM c.8833C>G variant is predicted to result in the amino acid substitution p.Leu2945Val. To our knowledge, this variant has not been reported in the literature or in a large population database (gnomAD), indicating this variant is rare. It is classified as uncertain in ClinVar (Variation ID: 187144). At this time, the clinical significance of this variant is uncertain due to the absence of conclusive functional and genetic evidence.

Labcorp Genetics (formerly Invitae), Labcorp
Classification: Uncertain significance for Ataxia-telangiectasia syndrome. Last evaluated: 2025-11-24. Review status: criteria provided, single submitter. Criteria: Invitae Variant Classification Sherloc (09022015). Collection method: clinical testing. Allele origin: germline.
Comment: This sequence change replaces leucine, which is neutral and non-polar, with valine, which is neutral and non-polar, at codon 2945 of the ATM protein (p.Leu2945Val). This variant is not present in population databases (gnomAD no frequency). This variant has not been reported in the literature in individuals affected with ATM-related conditions. ClinVar contains an entry for this variant (Variation ID: 187144). Invitae Evidence Modeling of protein sequence and biophysical properties (such as structural, functional, and spatial information, amino acid conservation, physicochemical variation, residue mobility, and thermodynamic stability) has been performed for this missense variant. However, the output from this modeling did not meet the statistical confidence thresholds required to predict the impact of this variant on ATM protein function. In summary, the available evidence is currently insufficient to determine the role of this variant in disease. Therefore, it has been classified as a Variant of Uncertain Significance.

Quest Diagnostics Nichols Institute San Juan Capistrano
Classification: Uncertain significance. Last evaluated: 2025-06-18. Review status: criteria provided, single submitter. Criteria: Quest Diagnostics criteria. Collection method: clinical testing. Allele origin: unknown.

Ambry Genetics
Classification: Uncertain significance for Hereditary cancer-predisposing syndrome. Last evaluated: 2025-05-03. Review status: criteria provided, single submitter. Criteria: Ambry Variant Classification Scheme 2023. Collection method: clinical testing. Allele origin: germline.
Comment: The p.L2945V variant (also known as c.8833C>G), located in coding exon 60 of the ATM gene, results from a C to G substitution at nucleotide position 8833. The leucine at codon 2945 is replaced by valine, an amino acid with highly similar properties. This amino acid position is highly conserved in available vertebrate species. In addition, this alteration is predicted to be deleterious by in silico analysis. Since supporting evidence is limited at this time, the clinical significance of this alteration remains unclear.